The following is an entry in ClinVar:

NM_017780.4(CHD7):c.4798G>A (p.Gly1600Ser)

Gene: CHD7 (chromodomain helicase DNA binding protein 7; plus strand). Cytogenetic location: 8q12.2.
Variant type: single nucleotide variant.
Coding change: c.4798G>A on transcript NM_017780.4 (MANE Select); coding-DNA position 4798, G replaced by A.
Protein change: p.Gly1600Ser; replaces glycine 1600 with serine.
Molecular consequence: missense variant. On other transcripts: intron variant (1).
Genome position (GRCh38, 1-based): chr8:60,842,000, G>A. VCF-style: chr8-60842000-G-A. GRCh37 (hg19) VCF-style: chr8-61754559-G-A.
Other names: c.1717-20229G>A (NM_001316690.1); c.4798G>A (NM_017780.3); short protein forms G1600S.
Identifiers: ClinVar variation 1510232 (VCV001510232.7), dbSNP rs2150786873, ClinGen allele CA371319541.

ClinVar aggregate classification (germline): Uncertain significance. Review status: criteria provided, multiple submitters, no conflicts (2 of 4 stars). 2 submissions from 2 submitters: Uncertain significance (2). Last evaluated 2025-04-28.

Conditions:
Inborn genetic diseases. Identifiers: MedGen C0950123, MeSH D030342.
CHARGE syndrome (CHARGE). Also called: Coloboma, heart anomaly, choanal atresia, retardation, genital and ear anomalies; CHARGE association; Hall-Hittner syndrome; Hittner Hirsch Kreh syndrome; CHARGE ASSOCIATION--COLOBOMA, HEART ANOMALY, CHOANAL ATRESIA, RETARDATION, GENITAL AND EAR ANOMALIES. Identifiers: Orphanet 138, MedGen C0265354, MONDO:0008965.

Submissions (2):

Ambry Genetics
Classification: Uncertain significance for Inborn genetic diseases. Last evaluated: 2025-04-28. Review status: criteria provided, single submitter. Criteria: Ambry Variant Classification Scheme 2023. Collection method: clinical testing. Allele origin: germline.

Labcorp Genetics (formerly Invitae), Labcorp
Classification: Uncertain significance for CHARGE syndrome. Last evaluated: 2024-10-24. Review status: criteria provided, single submitter. Criteria: Invitae Variant Classification Sherloc (09022015). Collection method: clinical testing. Allele origin: germline.
Comment: This sequence change replaces glycine, which is neutral and non-polar, with serine, which is neutral and polar, at codon 1600 of the CHD7 protein (p.Gly1600Ser). This variant is not present in population databases (gnomAD no frequency). This variant has not been reported in the literature in individuals affected with CHD7-related conditions. ClinVar contains an entry for this variant (Variation ID: 1510232). Invitae Evidence Modeling of protein sequence and biophysical properties (such as structural, functional, and spatial information, amino acid conservation, physicochemical variation, residue mobility, and thermodynamic stability) indicates that this missense variant is not expected to disrupt CHD7 protein function with a negative predictive value of 95%. In summary, the available evidence is currently insufficient to determine the role of this variant in disease. Therefore, it has been classified as a Variant of Uncertain Significance.